The following is an entry in ClinVar:

ClinVar aggregate classification (germline): Uncertain significance. Review status: criteria provided, single submitter (1 of 4 stars). 2 submissions from 2 submitters: Uncertain significance (1). 1 of the submissions does not count toward it. Last evaluated 2025-11-05.

Conditions:
ARID1A-related disorder. Also called: ARID1A-related condition.

gnomAD v4.1: 44 of 1,402,448 alleles (0.0031%); highest among the groups gnomAD compares: Non-Finnish European, 0.0038%; no homozygotes.

Submissions (2):

Labcorp Genetics (formerly Invitae), Labcorp
Classification: Uncertain significance. Last evaluated: 2025-11-05. Review status: criteria provided, single submitter. Criteria: Invitae Variant Classification Sherloc (09022015). Collection method: clinical testing. Allele origin: germline.
Comment: This sequence change replaces histidine, which is basic and polar, with tyrosine, which is neutral and polar, at codon 359 of the ARID1A protein (p.His359Tyr). This variant is not present in population databases (gnomAD no frequency). This variant has not been reported in the literature in individuals affected with ARID1A-related conditions. ClinVar contains an entry for this variant (Variation ID: 3350136). Invitae Evidence Modeling of protein sequence and biophysical properties (such as structural, functional, and spatial information, amino acid conservation, physicochemical variation, residue mobility, and thermodynamic stability) indicates that this missense variant is not expected to disrupt ARID1A protein function with a negative predictive value of 95%. In summary, the available evidence is currently insufficient to determine the role of this variant in disease. Therefore, it has been classified as a Variant of Uncertain Significance.

PreventionGenetics, part of Exact Sciences
Classification: Uncertain significance for ARID1A-related condition. Last evaluated: 2024-04-22. Review status: no assertion criteria provided. Collection method: clinical testing. Allele origin: germline. Not counted in ClinVar's aggregate classification.
Comment: The ARID1A c.1075C>T variant is predicted to result in the amino acid substitution p.His359Tyr. To our knowledge, this variant has not been reported in the literature or in a large population database, indicating this variant is rare. At this time, the clinical significance of this variant is uncertain due to the absence of conclusive functional and genetic evidence.

NM_006015.6(ARID1A):c.1075C>T (p.His359Tyr)

Genes: ARID1A (AT-rich interaction domain 1A; plus strand), LOC129929837 (ATAC-STARR-seq lymphoblastoid silent region 489; plus strand). Cytogenetic location: 1p36.11.
Variant type: single nucleotide variant.
Coding change: c.1075C>T on transcript NM_006015.6 (MANE Select); coding-DNA position 1075, C replaced by T.
Protein change: p.His359Tyr; replaces histidine 359 with tyrosine.
Molecular consequence: missense variant.
Genome position (GRCh38, 1-based): chr1:26,697,478, C>T. VCF-style: chr1-26697478-C-T. GRCh37 (hg19) VCF-style: chr1-27023969-C-T.
Other names: c.1075C>T, p.His359Tyr (NM_139135.4); short protein forms H359Y.
Identifiers: ClinVar variation 3350136 (VCV003350136.2).